The following is an entry in ClinVar:

ClinVar aggregate classification (germline): Uncertain significance. Review status: criteria provided, multiple submitters, no conflicts (2 of 4 stars). 5 submissions from 5 submitters: Uncertain significance (5). Last evaluated 2023-12-04.

Conditions:
Spermatogenic failure 72 (SPGF72). Identifiers: MedGen C5676980, MONDO:0030809, OMIM 619867.
Asphyxiating thoracic dystrophy 5 (SRTD5). Also called: SHORT-RIB THORACIC DYSPLASIA 5 WITH OR WITHOUT POLYDACTYLY; SHORT-RIB THORACIC DYSPLASIA 5 WITHOUT POLYDACTYLY. Identifiers: Orphanet 474, MedGen C3280598, MONDO:0013717, OMIM 614376.
Nephronophthisis 13 (NPHP13). Identifiers: Orphanet 655, MedGen C3280612, MONDO:0013718, OMIM 614377.
Cranioectodermal dysplasia 4 (CED4). Identifiers: Orphanet 1515, MedGen C3280616, MONDO:0013719, OMIM 614378.
Senior-Loken syndrome 8 (SLSN8). Identifiers: Orphanet 3156, MedGen C4225376, MONDO:0014579, OMIM 616307.
Inborn genetic diseases. Identifiers: MedGen C0950123, MeSH D030342.

Allele frequency attached by ClinVar (database versions not stated): gnomAD exomes 0.00002 and 0.00008; ExAC 0.00003; gnomAD 0.00006; TOPMed 0.00006; ESP Exome Variant Server 0.00008; 1000 Genomes Project 0.00020; 1000 Genomes Project 30x 0.00047.
gnomAD v4.1: 130 of 1,605,260 alleles (0.0081%); highest among the groups gnomAD compares: Admixed American, 0.022%; 1 homozygote.

Submissions (5):

Labcorp Genetics (formerly Invitae), Labcorp
Classification: Uncertain significance for Senior-Loken syndrome 8; Asphyxiating thoracic dystrophy 5. Last evaluated: 2023-12-04. Review status: criteria provided, single submitter. Criteria: Invitae Variant Classification Sherloc (09022015). Collection method: clinical testing. Allele origin: germline.
Comment: This sequence change replaces alanine, which is neutral and non-polar, with glycine, which is neutral and non-polar, at codon 373 of the WDR19 protein (p.Ala373Gly). This variant is present in population databases (rs371744495, gnomAD 0.004%). This variant has not been reported in the literature in individuals affected with WDR19-related conditions. ClinVar contains an entry for this variant (Variation ID: 953767). Advanced modeling of protein sequence and biophysical properties (such as structural, functional, and spatial information, amino acid conservation, physicochemical variation, residue mobility, and thermodynamic stability) performed at Invitae indicates that this missense variant is not expected to disrupt WDR19 protein function with a negative predictive value of 80%. In summary, the available evidence is currently insufficient to determine the role of this variant in disease. Therefore, it has been classified as a Variant of Uncertain Significance.

GeneDx
Classification: Uncertain significance. Last evaluated: 2023-06-12. Review status: criteria provided, single submitter. Criteria: GeneDx Variant Classification Process June 2021. Collection method: clinical testing. Allele origin: germline. Affected: yes.
Comment: Has not been previously published as pathogenic or benign to our knowledge; In silico analysis supports that this missense variant does not alter protein structure/function, but may impact gene splicing; in the absence of RNA/functional studies, the actual effect of this sequence change is unknown

Ambry Genetics
Classification: Uncertain significance for Inborn genetic diseases. Last evaluated: 2022-05-18. Review status: criteria provided, single submitter. Criteria: Ambry Variant Classification Scheme 2023. Collection method: clinical testing. Allele origin: germline.

Blueprint Genetics
Classification: Uncertain significance. Last evaluated: 2022-03-21. Review status: criteria provided, single submitter. Criteria: ACMG Guidelines, 2015. Collection method: clinical testing. Allele origin: germline.

Fulgent Genetics
Classification: Uncertain significance for Asphyxiating thoracic dystrophy 5; Nephronophthisis 13; Cranioectodermal dysplasia 4; Senior-Loken syndrome 8; Spermatogenic failure 72. Last evaluated: 2021-09-17. Review status: criteria provided, single submitter. Criteria: ACMG Guidelines, 2015. Collection method: clinical testing. Allele origin: unknown.

NM_025132.4(WDR19):c.1118C>G (p.Ala373Gly)

Gene: WDR19 (WD repeat domain 19; plus strand). Cytogenetic location: 4p14.
Variant type: single nucleotide variant.
Coding change: c.1118C>G on transcript NM_025132.4 (MANE Select); coding-DNA position 1118, C replaced by G.
Protein change: p.Ala373Gly; replaces alanine 373 with glycine.
Molecular consequence: missense variant.
Genome position (GRCh38, 1-based): chr4:39,215,997, C>G. VCF-style: chr4-39215997-C-G. GRCh37 (hg19) VCF-style: chr4-39217617-C-G.
Other names: c.638C>G, p.Ala213Gly (NM_001317924.2); short protein forms A213G, A373G.
Identifiers: ClinVar variation 953767 (VCV000953767.10), dbSNP rs371744495, ClinGen allele CA2891778.